The following is an entry in ClinVar:

NM_001267550.2(TTN):c.55512C>T (p.Asp18504=)

Genes: TTN-AS1 (TTN antisense RNA 1; plus strand), TTN (titin; minus strand). Cytogenetic location: 2q31.2.
Variant type: single nucleotide variant.
Coding change: c.55512C>T on transcript NM_001267550.2 (MANE Select); coding-DNA position 55512, C replaced by T.
Protein change: p.Asp18504=; no amino-acid change (aspartic acid 18504 retained).
Molecular consequence: synonymous variant.
Genome position (GRCh38, 1-based): chr2:178,601,485, G>A on the plus strand (C>T on the coding strand, the complement: TTN is on the minus strand). VCF-style: chr2-178601485-G-A. GRCh37 (hg19) VCF-style: chr2-179466212-G-A.
Other names: p.Asp15936=; c.28317C>T, p.Asp9439= (NM_003319.4); c.28692C>T, p.Asp9564= (NM_133432.3); c.28893C>T, p.Asp9631= (NM_133437.4); c.50589C>T, p.Asp16863= (NM_001256850.1); c.47808C>T, p.Asp15936= (NM_133378.4).
Identifiers: ClinVar variation 165967 (VCV000165967.37), dbSNP rs377164046, ClinGen allele CA178708.

ClinVar aggregate classification (germline): Benign/Likely benign. Review status: criteria provided, multiple submitters, no conflicts (2 of 4 stars). 16 submissions from 13 submitters: Benign (5); Likely benign (8). 3 of the submissions do not count toward it. Last evaluated 2026-01-19.

Conditions:
Cardiovascular phenotype. Identifiers: MedGen CN230736.
TTN-related disorder. Also called: TTN-related condition; TTN-related disease; TTN-related disorders.
Dilated cardiomyopathy 1G (CMD1G). Identifiers: Orphanet 154, MedGen C1858763, MONDO:0011400, OMIM 604145.
Autosomal recessive limb-girdle muscular dystrophy type 2J (LGMDR10). Also called: Limb-girdle muscular dystrophy, type 2J; MUSCULAR DYSTROPHY, LIMB-GIRDLE, AUTOSOMAL RECESSIVE 10. Identifiers: Orphanet 140922, MedGen C1837342, MONDO:0012127, OMIM 608807.
Early-onset myopathy with fatal cardiomyopathy (CMYO5). Also called: Salih Myopathy; CONGENITAL MYOPATHY 5 WITH CARDIOMYOPATHY. Identifiers: Orphanet 289377, MedGen C2673677, MONDO:0012714, OMIM 611705. Disease mechanism: loss of function.
Myopathy, myofibrillar, 9, with early respiratory failure (MFM9). Also called: Hereditary myopathy with early respiratory failure; MYOPATHY, PROXIMAL, WITH EARLY RESPIRATORY MUSCLE INVOLVEMENT; Myopathy, distal, with early respiratory failure, autosomal dominant; EDSTROM MYOPATHY. Identifiers: Orphanet 178464, Orphanet 34521, MedGen C1863599, MONDO:0011362, OMIM 603689.
Tibial muscular dystrophy (TMD). Also called: UDD MYOPATHY; Tibial muscular dystrophy, tardive; Udd Distal Myopathy – Tibial Muscular Dystrophy. Identifiers: Orphanet 609, MedGen C1838244, MONDO:0010870, OMIM 600334.

Allele frequency attached by ClinVar (database versions not stated): gnomAD exomes 0.00003; ExAC 0.00004; ESP Exome Variant Server 0.00017; gnomAD 0.00017 and 0.00018; TOPMed 0.00022.
gnomAD v4.1: 76 of 1,612,802 alleles (0.0047%); highest among the groups gnomAD compares: African/African-American, 0.071%; no homozygotes.

Submissions (16):

Labcorp Genetics (formerly Invitae), Labcorp
Classification: Likely benign for Dilated cardiomyopathy 1G; Autosomal recessive limb-girdle muscular dystrophy type 2J. Last evaluated: 2026-01-19. Review status: criteria provided, single submitter. Criteria: Invitae Variant Classification Sherloc (09022015). Collection method: clinical testing. Allele origin: germline.

Mayo Clinic Laboratories, Mayo Clinic
Classification: Likely benign. Last evaluated: 2025-05-16. Review status: criteria provided, single submitter. Criteria: ACMG Guidelines, 2015. Collection method: clinical testing. Allele origin: germline. Observed: 1 variant allele.
Comment: BP4, BP7

PreventionGenetics, part of Exact Sciences
Classification: Likely benign for TTN-related condition. Last evaluated: 2025-03-29. Review status: criteria provided, single submitter. Criteria: ACMG Guidelines, 2015. Collection method: clinical testing. Allele origin: germline.
Comment: This variant is classified as likely benign based on ACMG/AMP sequence variant interpretation guidelines (Richards et al. 2015 PMID: 25741868, with internal and published modifications).

Revvity Omics, Revvity
Classification: Likely benign. Last evaluated: 2024-08-13. Review status: criteria provided, single submitter. Criteria: ACMG Guidelines, 2015. Collection method: clinical testing. Allele origin: germline.

Blueprint Genetics
Classification: Likely benign. Last evaluated: 2024-04-02. Review status: criteria provided, single submitter. Criteria: ACMG Guidelines, 2015. Collection method: clinical testing. Allele origin: germline.

Genome-Nilou Lab
Classification: Benign for Autosomal recessive limb-girdle muscular dystrophy type 2J. Last evaluated: 2021-09-10. Review status: criteria provided, single submitter. Criteria: ACMG Guidelines, 2015. Collection method: clinical testing. Allele origin: germline. Affected: no.

Genome-Nilou Lab
Classification: Benign for Myopathy, myofibrillar, 9, with early respiratory failure. Last evaluated: 2021-09-10. Review status: criteria provided, single submitter. Criteria: ACMG Guidelines, 2015. Collection method: clinical testing. Allele origin: germline. Affected: no.

Genome-Nilou Lab
Classification: Benign for Early-onset myopathy with fatal cardiomyopathy. Last evaluated: 2021-09-10. Review status: criteria provided, single submitter. Criteria: ACMG Guidelines, 2015. Collection method: clinical testing. Allele origin: germline. Affected: no.

Genome-Nilou Lab
Classification: Benign for Tibial muscular dystrophy. Last evaluated: 2021-09-10. Review status: criteria provided, single submitter. Criteria: ACMG Guidelines, 2015. Collection method: clinical testing. Allele origin: germline. Affected: no.

Ambry Genetics
Classification: Likely benign for Cardiovascular phenotype. Last evaluated: 2020-01-07. Review status: criteria provided, single submitter. Criteria: Ambry Variant Classification Scheme 2023. Collection method: clinical testing. Allele origin: germline.

GeneDx
Classification: Benign. Last evaluated: 2015-11-06. Review status: criteria provided, single submitter. Criteria: GeneDx Variant Classification (06012015). Collection method: clinical testing. Allele origin: germline. Affected: yes.
Comment: This variant is considered likely benign or benign based on one or more of the following criteria: it is a conservative change, it occurs at a poorly conserved position in the protein, it is predicted to be benign by multiple in silico algorithms, and/or has population frequency not consistent with disease.

Laboratory for Molecular Medicine, Mass General Brigham Personalized Medicine
Classification: Likely benign. Last evaluated: 2012-03-19. Review status: criteria provided, single submitter. Criteria: LMM Criteria. Collection method: clinical testing. Allele origin: germline. Observed: 1 variant allele.
Comment: Asp15936Asp in exon 236 of TTN: This variant is not expected to have clinical si gnificance because it does not alter an amino acid residue and is not located wi thin the splice consensus sequence. It has been identified in 1/3174 African Ame rican chromosomes from a broad population by the NHLBI Exome Sequencing Project. Asp15936Asp in exon 236 of TTN (allele freq uency = 1/3174) **

Breakthrough Genomics
Classification: Likely benign. Review status: criteria provided, single submitter. Criteria: ACMG Guidelines, 2015. Collection method: not provided. Allele origin: germline. Inheritance: Autosomal recessive inheritance. Affected: yes.

Clinical Genetics DNA and cytogenetics Diagnostics Lab, Erasmus MC, Erasmus Medical Center
Classification: Likely benign. Review status: no assertion criteria provided. Collection method: clinical testing. Allele origin: germline. Affected: yes. Study: VKGL Data-share Consensus. Not counted in ClinVar's aggregate classification.

Diagnostic Laboratory, Department of Genetics, University Medical Center Groningen
Classification: Likely benign. Review status: no assertion criteria provided. Collection method: clinical testing. Allele origin: germline. Affected: yes. Study: VKGL Data-share Consensus. Not counted in ClinVar's aggregate classification.

Joint Genome Diagnostic Labs from Nijmegen and Maastricht, Radboudumc and MUMC+
Classification: Likely benign. Review status: no assertion criteria provided. Collection method: clinical testing. Allele origin: germline. Affected: yes. Study: VKGL Data-share Consensus. Not counted in ClinVar's aggregate classification.